The following is an entry in ClinVar:

NM_000302.4(PLOD1):c.579+10A>G

Gene: PLOD1 (procollagen-lysine,2-oxoglutarate 5-dioxygenase 1; plus strand). Cytogenetic location: 1p36.22.
Variant type: single nucleotide variant.
Coding change: c.579+10A>G on transcript NM_000302.4 (MANE Select); 10 bases into the intron after coding-DNA position 579, A replaced by G.
Molecular consequence: intron variant.
Genome position (GRCh38, 1-based): chr1:11,952,745, A>G. VCF-style: chr1-11952745-A-G. GRCh37 (hg19) VCF-style: chr1-12012802-A-G.
Other names: c.720+10A>G (NM_001316320.2).
Identifiers: ClinVar variation 292286 (VCV000292286.19), dbSNP rs538255620, ClinGen allele CA597950.

ClinVar aggregate classification (germline): Conflicting classifications of pathogenicity. Review status: criteria provided, conflicting classifications (1 of 4 stars). 5 submissions from 5 submitters: Uncertain significance (1); Likely benign (4). Last evaluated 2026-01-27.

Conditions:
Ehlers-Danlos syndrome, kyphoscoliotic type 1 (EDSKSCL1). Also called: EHLERS-DANLOS SYNDROME, TYPE VIA; Ehlers-Danlos syndrome, hydroxylysine-deficient; EHLERS-DANLOS SYNDROME, OCULAR-SCOLIOTIC TYPE; PLOD1-Related Kyphoscoliotic Ehlers-Danlos Syndrome. Identifiers: Orphanet 1900, MedGen C0268342, MONDO:0016002, OMIM 225400. Disease mechanism: loss of function.
PLOD1-related disorder. Also called: PLOD1-related condition.

Allele frequency attached by ClinVar (database versions not stated): gnomAD exomes 0.00001 and 0.00006; ExAC 0.00008; 1000 Genomes Project 30x 0.00016; gnomAD 0.00017; 1000 Genomes Project 0.00020; TOPMed 0.00022.
gnomAD v4.1: 47 of 1,592,846 alleles (0.003%); highest among the groups gnomAD compares: African/African-American, 0.06%; no homozygotes.

Submissions (5):

Labcorp Genetics (formerly Invitae), Labcorp
Classification: Likely benign for Ehlers-Danlos syndrome, kyphoscoliotic type 1. Last evaluated: 2026-01-27. Review status: criteria provided, single submitter. Criteria: Invitae Variant Classification Sherloc (09022015). Collection method: clinical testing. Allele origin: germline.

Women's Health and Genetics/Laboratory Corporation of America, LabCorp
Classification: Likely benign. Last evaluated: 2026-01-07. Review status: criteria provided, single submitter. Criteria: LabCorp Variant Classification Summary - May 2015. Collection method: clinical testing. Allele origin: germline.

PreventionGenetics, part of Exact Sciences
Classification: Likely benign for PLOD1-related condition. Last evaluated: 2025-01-10. Review status: criteria provided, single submitter. Criteria: ACMG Guidelines, 2015. Collection method: clinical testing. Allele origin: germline.
Comment: This variant is classified as likely benign based on ACMG/AMP sequence variant interpretation guidelines (Richards et al. 2015 PMID: 25741868, with internal and published modifications).

Blueprint Genetics
Classification: Likely benign. Last evaluated: 2024-11-19. Review status: criteria provided, single submitter. Criteria: ACMG Guidelines, 2015. Collection method: clinical testing. Allele origin: germline.

Illumina Laboratory Services, Illumina
Classification: Uncertain significance for Ehlers-Danlos syndrome, kyphoscoliotic type 1. Last evaluated: 2018-01-13. Review status: criteria provided, single submitter. Criteria: ICSL Variant Classification Criteria 13 December 2019. Collection method: clinical testing. Allele origin: germline.